The following is an entry in ClinVar:

ClinVar aggregate classification (germline): Benign/Likely benign. Review status: criteria provided, multiple submitters, no conflicts (2 of 4 stars). 3 submissions from 3 submitters: Benign (1); Likely benign (2). Last evaluated 2026-06-03.

Conditions:
Hereditary cancer-predisposing syndrome. Also called: Neoplastic Syndromes, Hereditary; Tumor predisposition; Hereditary Cancer Syndrome; Hereditary neoplastic syndrome. Identifiers: Orphanet 140162, MedGen C0027672, MeSH D009386, MONDO:0015356.
Gastrointestinal stromal tumor. Also called: Gastrointestinal stromal tumor, somatic; Gastrointestinal stroma tumor. Identifiers: Orphanet 44890, MedGen C0238198, MeSH D046152, MONDO:0011719, OMIM 606764, HP:0100723.

Submissions (3):

Myriad Genetics, Inc.
Classification: Benign for Gastrointestinal stromal tumor. Last evaluated: 2026-06-03. Review status: criteria provided, single submitter. Criteria: Myriad Autosomal Dominant, Autosomal Recessive and X-Linked Classification Criteria (2023). Collection method: clinical testing. Allele origin: unknown.
Comment: This variant is considered benign. This variant is a silent/synonymous amino acid change and it is not expected to impact splicing.

Labcorp Genetics (formerly Invitae), Labcorp
Classification: Likely benign for Gastrointestinal stromal tumor. Last evaluated: 2025-06-15. Review status: criteria provided, single submitter. Criteria: Invitae Variant Classification Sherloc (09022015). Collection method: clinical testing. Allele origin: germline.

Ambry Genetics
Classification: Likely benign for Hereditary cancer-predisposing syndrome. Last evaluated: 2025-02-26. Review status: criteria provided, single submitter. Criteria: Ambry Variant Classification Scheme 2023. Collection method: clinical testing. Allele origin: germline.

NM_000222.3(KIT):c.1584T>C (p.Gly528=)

Gene: KIT (KIT proto-oncogene, receptor tyrosine kinase; plus strand). Cytogenetic location: 4q12.
Variant type: single nucleotide variant.
Coding change: c.1584T>C on transcript NM_000222.3 (MANE Select); coding-DNA position 1584, T replaced by C.
Protein change: p.Gly528=; no amino-acid change (glycine 528 retained).
Molecular consequence: synonymous variant.
Genome position (GRCh38, 1-based): chr4:54,727,261, T>C. VCF-style: chr4-54727261-T-C. GRCh37 (hg19) VCF-style: chr4-55593427-T-C.
Other names: c.1572T>C, p.Gly524= (NM_001093772.2, NM_001385286.1); c.1587T>C, p.Gly529= (NM_001385284.1, NM_001385290.1); c.1584T>C, p.Gly528= (NM_001385285.1); c.1575T>C, p.Gly525= (NM_001385288.1, NM_001385292.1).
Identifiers: ClinVar variation 3864554 (VCV003864554.3).